The following is an entry in ClinVar:

NM_001278431.2(C1QTNF5):c.215-8C>G

Genes: C1QTNF5 (C1q and TNF related 5; minus strand), MFRP (membrane frizzled-related protein; minus strand). Cytogenetic location: 11q23.3.
Variant type: single nucleotide variant.
Coding change: c.215-8C>G on transcript NM_001278431.2 (MANE Select); 8 bases into the intron before coding-DNA position 215, C replaced by G.
Molecular consequence: intron variant.
Genome position (GRCh38, 1-based): chr11:119,339,856, G>C on the plus strand (C>G on the coding strand, the complement: C1QTNF5 is on the minus strand). VCF-style: chr11-119339856-G-C. GRCh37 (hg19) VCF-style: chr11-119210566-G-C.
Other names: c.215-8C>G (NM_015645.5); c.*1111-8C>G (NM_031433.4).
Identifiers: ClinVar variation 2060159 (VCV002060159.4), dbSNP rs747148839, ClinGen allele CA2580083649.

ClinVar aggregate classification (germline): Uncertain significance (1 of 4 stars; one submission).

Submission:

Labcorp Genetics (formerly Invitae), Labcorp
Classification: Uncertain significance. Last evaluated: 2022-03-18. Review status: criteria provided, single submitter. Criteria: Invitae Variant Classification Sherloc (09022015). Collection method: clinical testing. Allele origin: germline.
Comment: In summary, the available evidence is currently insufficient to determine the role of this variant in disease. Therefore, it has been classified as a Variant of Uncertain Significance. Algorithms developed to predict the effect of sequence changes on RNA splicing suggest that this variant may disrupt the consensus splice site. This variant has not been reported in the literature in individuals affected with C1QTNF5-related conditions. This sequence change falls in intron 14 of the C1QTNF5 gene. It does not directly change the encoded amino acid sequence of the C1QTNF5 protein. This variant is not present in population databases (gnomAD no frequency).